The following is an entry in ClinVar:

ClinVar aggregate classification (germline): Benign/Likely benign. Review status: criteria provided, multiple submitters, no conflicts (2 of 4 stars). 4 submissions from 4 submitters: Benign (2); Likely benign (1). 1 of the submissions does not count toward it. Last evaluated 2025-08-18.

Conditions:
UBR4-related disorder. Also called: UBR4-related condition.

Allele frequency attached by ClinVar (database versions not stated): gnomAD exomes 0.00202 and 0.00091; ExAC 0.00259; gnomAD 0.00710 and 0.00763; 1000 Genomes Project 30x 0.00750; 1000 Genomes Project 0.00759; ESP Exome Variant Server 0.00784; TOPMed 0.00838.
gnomAD v4.1: 2,485 of 1,613,540 alleles (0.15%); highest among the groups gnomAD compares: African/African-American, 2.5%; 44 homozygotes.

Submissions (10):

Genomic Medicine Center of Excellence, King Faisal Specialist Hospital and Research Centre
Classification: Likely benign. Last evaluated: 2025-08-18. Review status: criteria provided, single submitter. Criteria: ACMG Guidelines, 2015. Collection method: clinical testing. Allele origin: germline.

Labcorp Genetics (formerly Invitae), Labcorp
Classification: Benign. Last evaluated: 2018-12-18. Review status: criteria provided, single submitter. Criteria: Invitae Variant Classification Sherloc (09022015). Collection method: clinical testing. Allele origin: germline.

Breakthrough Genomics
Classification: Benign. Review status: criteria provided, single submitter. Criteria: ACMG Guidelines, 2015. Collection method: not provided. Allele origin: germline. Inheritance: Unknown mechanism. Affected: yes.

PreventionGenetics, part of Exact Sciences
Classification: Benign for UBR4-related condition. Last evaluated: 2019-06-03. Review status: no assertion criteria provided. Collection method: clinical testing. Allele origin: germline. Not counted in ClinVar's aggregate classification.
Comment: This variant is classified as benign based on ACMG/AMP sequence variant interpretation guidelines (Richards et al. 2015 PMID: 25741868, with internal and published modifications).

Dr. Peter K. Rogan Lab, Western University
No classification provided (evidence only). Condition: Familial cancer of breast. Review status: no classification provided. Collection method: in vitro. Allele origin: not applicable. Functional consequence: retained intron. Not counted in ClinVar's aggregate classification.

Dr. Peter K. Rogan Lab, Western University
No classification provided (evidence only). Condition: Familial cancer of breast. Review status: no classification provided. Collection method: in vitro. Allele origin: not applicable. Functional consequence: retained intron. Not counted in ClinVar's aggregate classification.

Dr. Peter K. Rogan Lab, Western University
No classification provided (evidence only). Condition: Familial cancer of breast. Review status: no classification provided. Collection method: in vitro. Allele origin: not applicable. Functional consequence: retained intron. Not counted in ClinVar's aggregate classification.

Dr. Peter K. Rogan Lab, Western University
No classification provided (evidence only). Condition: Cervical cancer. Review status: no classification provided. Collection method: in vitro. Allele origin: not applicable. Functional consequence: retained intron. Not counted in ClinVar's aggregate classification.

Dr. Peter K. Rogan Lab, Western University
No classification provided (evidence only). Condition: Thymoma. Review status: no classification provided. Collection method: in vitro. Allele origin: not applicable. Functional consequence: retained intron. Not counted in ClinVar's aggregate classification.

Dr. Peter K. Rogan Lab, Western University
No classification provided (evidence only). Condition: Gastric cancer. Review status: no classification provided. Collection method: in vitro. Allele origin: not applicable. Functional consequence: retained intron. Not counted in ClinVar's aggregate classification.

NM_020765.3(UBR4):c.15234-9C>G

Gene: UBR4 (ubiquitin protein ligase E3 component n-recognin 4; minus strand). Cytogenetic location: 1p36.13.
Variant type: single nucleotide variant.
Coding change: c.15234-9C>G on transcript NM_020765.3 (MANE Select); 9 bases into the intron before coding-DNA position 15234, C replaced by G.
Molecular consequence: intron variant.
Genome position (GRCh38, 1-based): chr1:19,078,075, G>C on the plus strand (C>G on the coding strand, the complement: UBR4 is on the minus strand). VCF-style: chr1-19078075-G-C. GRCh37 (hg19) VCF-style: chr1-19404569-G-C.
Other names: NC_000001.10:g.19404569G>C.
Identifiers: ClinVar variation 777888 (VCV000777888.8), dbSNP rs185542873, ClinGen allele CA647927.